The following is an entry in ClinVar:

ClinVar aggregate classification (germline): Likely benign. Review status: criteria provided, single submitter (1 of 4 stars). 2 submissions from 2 submitters: Likely benign (1). 1 of the submissions does not count toward it. Last evaluated 2024-06-22.

Conditions:
SYNE4-related disorder. Also called: SYNE4-related condition.

Allele frequency attached by ClinVar (database versions not stated): ExAC 0.00001; gnomAD exomes 0.00001; TOPMed 0.00001; gnomAD 0.00003; 1000 Genomes Project 30x 0.00016; 1000 Genomes Project 0.00020.

Submissions (2):

Labcorp Genetics (formerly Invitae), Labcorp
Classification: Likely benign. Last evaluated: 2024-06-22. Review status: criteria provided, single submitter. Criteria: Invitae Variant Classification Sherloc (09022015). Collection method: clinical testing. Allele origin: germline.

PreventionGenetics, part of Exact Sciences
Classification: Likely benign for SYNE4-related condition. Last evaluated: 2020-11-03. Review status: no assertion criteria provided. Collection method: clinical testing. Allele origin: germline. Not counted in ClinVar's aggregate classification.
Comment: This variant is classified as likely benign based on ACMG/AMP sequence variant interpretation guidelines (Richards et al. 2015 PMID: 25741868, with internal and published modifications).

NM_001039876.3(SYNE4):c.669C>T (p.Asp223=)

Gene: SYNE4 (spectrin repeat containing nuclear envelope family member 4; minus strand). Cytogenetic location: 19q13.12.
Variant type: single nucleotide variant.
Coding change: c.669C>T on transcript NM_001039876.3 (MANE Select); coding-DNA position 669, C replaced by T.
Protein change: p.Asp223=; no amino-acid change (aspartic acid 223 retained).
Molecular consequence: synonymous variant.
Genome position (GRCh38, 1-based): chr19:36,006,621, G>A on the plus strand (C>T on the coding strand, the complement: SYNE4 is on the minus strand). VCF-style: chr19-36006621-G-A. GRCh37 (hg19) VCF-style: chr19-36497523-G-A.
Other names: c.669C>T (NM_001039876.2); c.330C>T, p.Asp110= (NM_001297735.3).
Identifiers: ClinVar variation 1909197 (VCV001909197.7), dbSNP rs201169558, ClinGen allele CA9393874.